The following is an entry in ClinVar:

ClinVar aggregate classification (germline): Likely benign (1 of 4 stars; one submission).

Allele frequency attached by ClinVar (database versions not stated): 1000 Genomes Project 0.00120; 1000 Genomes Project 30x 0.00125; TOPMed 0.00324; gnomAD 0.00678 and 0.00713; gnomAD exomes 0.00849.
gnomAD v4.1: 2,963 of 388,338 alleles (0.76%); highest among the groups gnomAD compares: Non-Finnish European, 0.78%; 37 homozygotes.

Submission:

GeneDx
Classification: Likely benign. Last evaluated: 2022-02-18. Review status: criteria provided, single submitter. Criteria: GeneDx Variant Classification Process June 2021. Collection method: clinical testing. Allele origin: germline. Affected: yes.
Comment: See Variant Classification Assertion Criteria.

NM_002880.4(RAF1):c.-27+125C>T

Gene: RAF1 (Raf-1 proto-oncogene, serine/threonine kinase; minus strand). Cytogenetic location: 3p25.2.
Variant type: single nucleotide variant.
Coding change: c.-27+125C>T on transcript NM_002880.4 (MANE Select); 125 bases into the intron after 27 bases upstream of the start codon, C replaced by T.
Molecular consequence: intron variant.
Genome position (GRCh38, 1-based): chr3:12,663,688, G>A on the plus strand (C>T on the coding strand, the complement: RAF1 is on the minus strand). VCF-style: chr3-12663688-G-A. GRCh37 (hg19) VCF-style: chr3-12705187-G-A.
Other names: c.-157+125C>T (NM_001354695.3, NM_001354692.3, NM_001354694.3); c.-27+125C>T (NM_001354693.3, NM_001354689.3); c.-250+125C>T (NM_001354691.3).
Identifiers: ClinVar variation 1702677 (VCV001702677.2), dbSNP rs545433998, ClinGen allele CA69615227.